The following is an entry in ClinVar:

ClinVar aggregate classification (germline): Uncertain significance. Review status: criteria provided, multiple submitters, no conflicts (2 of 4 stars). 2 submissions from 2 submitters: Uncertain significance (2). Last evaluated 2025-06-19.

Conditions:
Arrhythmogenic right ventricular dysplasia 9 (ARVD9). Also called: Arrhythmogenic Right Ventricular Dysplasia/Cardiomyopathy 9; ARRHYTHMOGENIC RIGHT VENTRICULAR DYSPLASIA, FAMILIAL, 9. Identifiers: MedGen C1836906, MONDO:0012180, OMIM 609040.
Cardiomyopathy (CMYO). Also called: Cardiomyopathies. Identifiers: Orphanet 167848, MedGen C0878544, MONDO:0004994, HP:0001638. Inheritance: Various modes of inheritance.

Allele frequency attached by ClinVar (database versions not stated): gnomAD exomes 0.00001.
gnomAD v4.1: 7 of 1,613,878 alleles (0.00043%); highest among the groups gnomAD compares: South Asian, 0.0011%; no homozygotes.

Submissions (2):

Labcorp Genetics (formerly Invitae), Labcorp
Classification: Uncertain significance for Arrhythmogenic right ventricular dysplasia 9. Last evaluated: 2025-06-19. Review status: criteria provided, single submitter. Criteria: Invitae Variant Classification Sherloc (09022015). Collection method: clinical testing. Allele origin: germline.
Comment: This sequence change replaces glutamine, which is neutral and polar, with arginine, which is basic and polar, at codon 378 of the PKP2 protein (p.Gln378Arg). This variant is not present in population databases (gnomAD no frequency). This variant has not been reported in the literature in individuals affected with PKP2-related conditions. ClinVar contains an entry for this variant (Variation ID: 920404). An algorithm developed to predict the effect of missense changes on protein structure and function (PolyPhen-2) suggests that this variant is likely to be tolerated. In summary, the available evidence is currently insufficient to determine the role of this variant in disease. Therefore, it has been classified as a Variant of Uncertain Significance.

Color Diagnostics, LLC DBA Color Health
Classification: Uncertain significance for Cardiomyopathy. Last evaluated: 2024-03-06. Review status: criteria provided, single submitter. Criteria: ACMG Guidelines, 2015. Collection method: clinical testing. Allele origin: germline.
Comment: This missense variant replaces glutamine with arginine at codon 378 of the PKP2 protein. Computational prediction suggests that this variant may not impact protein structure and function (internally defined REVEL score threshold <= 0.5, PMID: 27666373). To our knowledge, functional studies have not been reported for this variant. This variant has not been reported in individuals affected with cardiovascular disorders in the literature. This variant has not been identified in the general population by the Genome Aggregation Database (gnomAD). The available evidence is insufficient to determine the role of this variant in disease conclusively. Therefore, this variant is classified as a Variant of Uncertain Significance.

NM_001005242.3(PKP2):c.1133A>G (p.Gln378Arg)

Gene: PKP2 (plakophilin 2; minus strand). Cytogenetic location: 12p11.21.
Variant type: single nucleotide variant.
Coding change: c.1133A>G on transcript NM_001005242.3 (MANE Select); coding-DNA position 1133, A replaced by G.
Protein change: p.Gln378Arg; replaces glutamine 378 with arginine.
Molecular consequence: missense variant.
Genome position (GRCh38, 1-based): chr12:32,868,964, T>C on the plus strand (A>G on the coding strand, the complement: PKP2 is on the minus strand). VCF-style: chr12-32868964-T-C. GRCh37 (hg19) VCF-style: chr12-33021898-T-C.
Other names: c.1133A>G, p.Gln378Arg (NM_004572.4); short protein forms Q378R.
Identifiers: ClinVar variation 920404 (VCV000920404.9), dbSNP rs1956873618, ClinGen allele CA384359175.
Genomic context (GRCh38, chr12:32,868,964, plus strand): 5'-AATGGACTGAAGATGACACTCACCCTCTTCCGAGCTTCAGATTTCTGGAAGCACTCGTGC[T>C]GTATGAAAGTAGCTGCAGCAGAAATCCTGGATGGCAGCATGTGGTCTGCCTCGAGCATAC-3'
Protein context (NP_001005242.2, residues 368-388): SRISAAATFI[Gln378Arg]HECFQKSEAR